The following is an entry in ClinVar:

NM_020822.3(KCNT1):c.451C>G (p.Gln151Glu)

Gene: KCNT1 (potassium sodium-activated channel subfamily T member 1; plus strand). Cytogenetic location: 9q34.3.
Variant type: single nucleotide variant.
Coding change: c.451C>G on transcript NM_020822.3 (MANE Select); coding-DNA position 451, C replaced by G.
Protein change: p.Gln151Glu; replaces glutamine 151 with glutamic acid.
Molecular consequence: missense variant.
Genome position (GRCh38, 1-based): chr9:135,753,953, C>G. VCF-style: chr9-135753953-C-G. GRCh37 (hg19) VCF-style: chr9-138645799-C-G.
Other names: c.307C>G, p.Gln103Glu (NM_001272003.2); short protein forms Q151E, Q103E.
Identifiers: ClinVar variation 2944929 (VCV002944929.3), dbSNP rs1382557245, ClinGen allele CA375495766.

ClinVar aggregate classification (germline): Uncertain significance (1 of 4 stars; one submission).

Conditions:
Autosomal dominant nocturnal frontal lobe epilepsy 5. Also called: Epilepsy, nocturnal frontal lobe, 5; CILIARY DYSKINESIA, PRIMARY, 28, WITHOUT SITUS INVERSUS; CILIARY DYSKINESIA, PRIMARY, 28, WITH SITUS INVERSUS; KCNT1-Related Epilepsy. Identifiers: Orphanet 98784, MedGen C3554306, MONDO:0014002, OMIM 615005.
Developmental and epileptic encephalopathy, 14 (DEE14). Also called: Early infantile epileptic encephalopathy 14. Identifiers: Orphanet 293181, MedGen C3554195, MONDO:0013989, OMIM 614959.

Submission:

Labcorp Genetics (formerly Invitae), Labcorp
Classification: Uncertain significance for Autosomal dominant nocturnal frontal lobe epilepsy 5; Developmental and epileptic encephalopathy, 14. Last evaluated: 2023-03-10. Review status: criteria provided, single submitter. Criteria: Invitae Variant Classification Sherloc (09022015). Collection method: clinical testing. Allele origin: germline.
Comment: This sequence change replaces glutamine, which is neutral and polar, with glutamic acid, which is acidic and polar, at codon 151 of the KCNT1 protein (p.Gln151Glu). This variant is not present in population databases (gnomAD no frequency). This variant has not been reported in the literature in individuals affected with KCNT1-related conditions. Advanced modeling of protein sequence and biophysical properties (such as structural, functional, and spatial information, amino acid conservation, physicochemical variation, residue mobility, and thermodynamic stability) performed at Invitae indicates that this missense variant is not expected to disrupt KCNT1 protein function. In summary, the available evidence is currently insufficient to determine the role of this variant in disease. Therefore, it has been classified as a Variant of Uncertain Significance.